The following is an entry in ClinVar:

ClinVar aggregate classification (germline): Pathogenic/Likely pathogenic. Review status: criteria provided, multiple submitters, no conflicts (2 of 4 stars). 3 submissions from 3 submitters: Pathogenic (2); Likely pathogenic (1). Last evaluated 2024-05-14.

Conditions:
Glycogen storage disease, type V (GSD5). Also called: PYGM DEFICIENCY; McArdle type glycogen storage disease; MCARDLE DISEASE; MUSCLE GLYCOGEN PHOSPHORYLASE DEFICIENCY; MYOPHOSPHORYLASE DEFICIENCY. Identifiers: Orphanet 368, MedGen C0017924, MONDO:0009293, OMIM 232600.

Submissions (3):

Myriad Genetics, Inc.
Classification: Pathogenic for Glycogen storage disease, type V. Last evaluated: 2024-05-14. Review status: criteria provided, single submitter. Criteria: Myriad Autosomal Dominant, Autosomal Recessive and X-Linked Classification Criteria (2023). Collection method: clinical testing. Allele origin: unknown.
Comment: NM_005609.2(PYGM):c.1278_1288dup11(S430Cfs*12) is expected to be pathogenic in the context of glycogen storage disease, PYGM-related. This variant is predicted to lead to an abnormal or absent protein product due to the creation of a premature termination codon in PYGM, a gene where loss-of-function variants are known to be pathogenic. Please note: this variant was assessed in the context of healthy population screening.

Labcorp Genetics (formerly Invitae), Labcorp
Classification: Pathogenic for Glycogen storage disease, type V. Last evaluated: 2023-03-14. Review status: criteria provided, single submitter. Criteria: Invitae Variant Classification Sherloc (09022015). Collection method: clinical testing. Allele origin: germline.
Comment: For these reasons, this variant has been classified as Pathogenic. ClinVar contains an entry for this variant (Variation ID: 1454981). This variant has not been reported in the literature in individuals affected with PYGM-related conditions. This variant is not present in population databases (gnomAD no frequency). This sequence change creates a premature translational stop signal (p.Ser430Cysfs*12) in the PYGM gene. It is expected to result in an absent or disrupted protein product. Loss-of-function variants in PYGM are known to be pathogenic (PMID: 8316268, 16786513).

Baylor Genetics
Classification: Likely pathogenic for Glycogen storage disease, type V. Last evaluated: 2023-01-22. Review status: criteria provided, single submitter. Criteria: ACMG Guidelines, 2015. Collection method: clinical testing. Allele origin: unknown.

Literature cited by the submitters: PubMed 8316268 (cited by Labcorp Genetics (formerly Invitae), Labcorp); PubMed 16786513 (cited by Labcorp Genetics (formerly Invitae), Labcorp).

NM_005609.4(PYGM):c.1278_1288dup (p.Ser430fs)

Gene: PYGM (glycogen phosphorylase, muscle associated; minus strand). Cytogenetic location: 11q13.1.
Variant type: Duplication.
Coding change: c.1278_1288dup on transcript NM_005609.4 (MANE Select); coding-DNA positions 1278 to 1288, 11 bases duplicated (GCGGCGCATGT).
Protein change: p.Ser430fs; shifts the reading frame from serine 430.
Molecular consequence: frameshift variant.
Genome position (GRCh38, 1-based): chr11:64,753,634-64,753,644, ACATGCGCCGC duplicated on the plus strand (GCGGCGCATGT on the coding strand, the reverse complement: PYGM is on the minus strand); duplicating any 11 consecutive bases within chr11:64,753,634-64,753,645 gives the same sequence; the c. name uses the placement nearest the transcript's 3' end. VCF-style (leftmost placement, unchanged base first): chr11-64753633-G-GACATGCGCCGC. GRCh37 (hg19) VCF-style: chr11-64521105-G-GACATGCGCCGC.
Other names: c.1014_1024dup, p.Ser342fs (NM_001164716.1); short protein forms S430fs, S342fs.
Identifiers: ClinVar variation 1454981 (VCV001454981.8), dbSNP rs2058372554, ClinGen allele CA474959263.